The following is an entry in ClinVar:

NM_000368.5(TSC1):c.2690A>G (p.Gln897Arg)

Gene: TSC1 (TSC complex subunit 1; minus strand). Cytogenetic location: 9q34.13.
Variant type: single nucleotide variant.
Coding change: c.2690A>G on transcript NM_000368.5 (MANE Select); coding-DNA position 2690, A replaced by G.
Protein change: p.Gln897Arg; replaces glutamine 897 with arginine.
Molecular consequence: missense variant. On other transcripts: non-coding transcript variant (5).
Genome position (GRCh38, 1-based): chr9:132,897,546, T>C on the plus strand (A>G on the coding strand, the complement: TSC1 is on the minus strand). VCF-style: chr9-132897546-T-C. GRCh37 (hg19) VCF-style: chr9-135772933-T-C.
Other names: c.2690A>G, p.Gln897Arg (NM_001406596.1, NM_001406592.1, NM_001406593.1 and 2 more transcripts); c.2687A>G, p.Gln896Arg (NM_001406597.1, NM_001406598.1, NM_001406599.1 and 2 more transcripts); c.2675A>G, p.Gln892Arg (NM_001406601.1, NM_001406602.1); c.2672A>G, p.Gln891Arg (NM_001406603.1, NM_001406604.1); c.2648A>G, p.Gln883Arg (NM_001406605.1, NM_001406606.1, NM_001406607.1); c.2327A>G, p.Gln776Arg (NM_001406615.1, NM_001406616.1, NM_001406617.1 and 4 more transcripts); c.2324A>G, p.Gln775Arg (NM_001406620.1, NM_001406621.1, NM_001406622.1 and 1 more transcripts); c.2285A>G, p.Gln762Arg (NM_001406624.1); and 8 more; short protein forms Q546R, Q579R, Q580R, Q761R, Q762R, Q775R, Q776R, Q831R.
Identifiers: ClinVar variation 4866019 (VCV004866019.1).

ClinVar aggregate classification (germline): Uncertain significance (1 of 4 stars; one submission).

Conditions:
Hereditary cancer-predisposing syndrome. Also called: Neoplastic Syndromes, Hereditary; Tumor predisposition; Hereditary Cancer Syndrome; Hereditary neoplastic syndrome. Identifiers: Orphanet 140162, MedGen C0027672, MeSH D009386, MONDO:0015356.

Submission:

Ambry Genetics
Classification: Uncertain significance for Hereditary cancer-predisposing syndrome. Last evaluated: 2026-04-01. Review status: criteria provided, single submitter. Criteria: Ambry Variant Classification Scheme 2023. Collection method: clinical testing. Allele origin: germline.
Comment: The p.Q897R variant (also known as c.2690A>G), located in coding exon 19 of the TSC1 gene, results from an A to G substitution at nucleotide position 2690. The glutamine at codon 897 is replaced by arginine, an amino acid with highly similar properties. This amino acid position is well conserved in available vertebrate species. In addition, this alteration is predicted to be tolerated by in silico analysis. Based on the available evidence, the clinical significance of this variant remains unclear.